The following is an entry in ClinVar:

ClinVar aggregate classification (germline): Uncertain significance (1 of 4 stars; one submission).

Allele frequency attached by ClinVar (database versions not stated): gnomAD exomes below 0.00001.
gnomAD v4.1: 6 of 1,614,008 alleles (0.00037%); highest among the groups gnomAD compares: South Asian, 0.0011%; no homozygotes.

Submission:

GeneDx
Classification: Uncertain significance. Last evaluated: 2016-08-05. Review status: criteria provided, single submitter. Criteria: GeneDx Variant Classification (06012015). Collection method: clinical testing. Allele origin: germline. Affected: yes.
Comment: The c.1482-3C>G variant in the COG4 gene has not been reported previously as a pathogenic variant nor as a benign variant, to our knowledge. This variant reduces the quality of the splice acceptor site in intron 11, and is expected to cause abnormal gene splicing. The c.1482-3C>G variant was not observed in approximately 6,500 individuals of European and African American ancestry in the NHLBI Exome Sequencing Project, indicating it is not a common benign variant in these populations. However, to our knowledge, splice site variants have not been reported in association with COG4-related CDG. Therefore, we interpret c.1482-3C>G as a variant of uncertain significance.

NM_015386.3(COG4):c.1482-3C>G

Gene: COG4 (component of oligomeric golgi complex 4; minus strand). Cytogenetic location: 16q22.1.
Variant type: single nucleotide variant.
Coding change: c.1482-3C>G on transcript NM_015386.3 (MANE Select); 3 bases into the intron before coding-DNA position 1482, C replaced by G.
Molecular consequence: intron variant.
Genome position (GRCh38, 1-based): chr16:70,496,434, G>C on the plus strand (C>G on the coding strand, the complement: COG4 is on the minus strand). VCF-style: chr16-70496434-G-C. GRCh37 (hg19) VCF-style: chr16-70530337-G-C.
Other names: c.1470-3C>G (NM_001195139.2); c.1056-3C>G (NM_001365426.1).
Identifiers: ClinVar variation 431907 (VCV000431907.2), dbSNP rs1231545072, ClinGen allele CA623577198.
Genomic context (GRCh38, chr16:70,496,434, plus strand): 5'-GATGTCCTGGAAGGTGGTGGCAGGAAAGCCCATCCGCAGCTTATTACACAGAACATCCCT[G>C]GGGGGCAGGATTGCATAGAGGAATTGACAGTGCTCAACTTGGCCACCAGGACAGAAGGGC-3'